The following is an entry in ClinVar:

NM_000127.3(EXT1):c.1759G>T (p.Glu587Ter)

Gene: EXT1 (exostosin glycosyltransferase 1; minus strand). Cytogenetic location: 8q24.11.
Variant type: single nucleotide variant.
Coding change: c.1759G>T on transcript NM_000127.3 (MANE Select); coding-DNA position 1759, G replaced by T.
Protein change: p.Glu587Ter; replaces glutamic acid 587 with a stop codon.
Molecular consequence: nonsense.
Genome position (GRCh38, 1-based): chr8:117,807,341, C>A on the plus strand (G>T on the coding strand, the complement: EXT1 is on the minus strand). VCF-style: chr8-117807341-C-A. GRCh37 (hg19) VCF-style: chr8-118819580-C-A.
Other names: short protein forms E587*.
Identifiers: ClinVar variation 3718618 (VCV003718618.2).

ClinVar aggregate classification (germline): Pathogenic (1 of 4 stars; one submission).

Conditions:
Multiple congenital exostosis (EXT). Also called: MULTIPLE CARTILAGINOUS EXOSTOSES; Multiple exostoses; Hereditary multiple osteochondromas; Hereditary multiple exostoses; Hereditary multiple exostosis; Multiple osteochondromas. Identifiers: Orphanet 321, MedGen C0015306, MONDO:0005508, HP:0002762.

Submission:

Labcorp Genetics (formerly Invitae), Labcorp
Classification: Pathogenic for Multiple congenital exostosis. Last evaluated: 2024-10-27. Review status: criteria provided, single submitter. Criteria: Invitae Variant Classification Sherloc (09022015). Collection method: clinical testing. Allele origin: germline.
Comment: This sequence change creates a premature translational stop signal (p.Glu587*) in the EXT1 gene. It is expected to result in an absent or disrupted protein product. Loss-of-function variants in EXT1 are known to be pathogenic (PMID: 10679937, 11391482, 19810120). This variant is not present in population databases (gnomAD no frequency). This premature translational stop signal has been observed in individual(s) with hereditary multiple osteochondromatosis (PMID: 30806661). For these reasons, this variant has been classified as Pathogenic.

Literature cited by the submitters: PubMed 10679937; PubMed 11391482; PubMed 19810120; PubMed 30806661.